The following is an entry in ClinVar:

NM_133259.4(LRPPRC):c.956A>G (p.Gln319Arg)

Gene: LRPPRC (leucine rich pentatricopeptide repeat containing; minus strand). Cytogenetic location: 2p21.
Variant type: single nucleotide variant.
Coding change: c.956A>G on transcript NM_133259.4 (MANE Select); coding-DNA position 956, A replaced by G.
Protein change: p.Gln319Arg; replaces glutamine 319 with arginine.
Molecular consequence: missense variant.
Genome position (GRCh38, 1-based): chr2:43,974,667, T>C on the plus strand (A>G on the coding strand, the complement: LRPPRC is on the minus strand). VCF-style: chr2-43974667-T-C. GRCh37 (hg19) VCF-style: chr2-44201806-T-C.
Other names: short protein forms Q319R.
Identifiers: ClinVar variation 1710706 (VCV001710706.7), dbSNP rs150357537, ClinGen allele CA1639160.

ClinVar aggregate classification (germline): Uncertain significance. Review status: criteria provided, multiple submitters, no conflicts (2 of 4 stars). 2 submissions from 2 submitters: Uncertain significance (2). Last evaluated 2025-04-30.

Allele frequency attached by ClinVar (database versions not stated): ExAC 0.00004; gnomAD 0.00013; TOPMed 0.00021; ESP Exome Variant Server 0.00023.
gnomAD v4.1: 39 of 1,611,600 alleles (0.0024%); highest among the groups gnomAD compares: African/African-American, 0.048%; no homozygotes.

Submissions (2):

GeneDx
Classification: Uncertain significance. Last evaluated: 2025-04-30. Review status: criteria provided, single submitter. Criteria: GeneDx Variant Classification Process June 2021. Collection method: clinical testing. Allele origin: germline. Affected: yes.
Comment: In silico analysis supports that this missense variant has a deleterious effect on protein structure/function; In silico analysis supports a deleterious effect on splicing; Has not been previously published as pathogenic or benign to our knowledge

Labcorp Genetics (formerly Invitae), Labcorp
Classification: Uncertain significance. Last evaluated: 2024-02-25. Review status: criteria provided, single submitter. Criteria: Invitae Variant Classification Sherloc (09022015). Collection method: clinical testing. Allele origin: germline.
Comment: This sequence change replaces glutamine, which is neutral and polar, with arginine, which is basic and polar, at codon 319 of the LRPPRC protein (p.Gln319Arg). This variant is present in population databases (rs150357537, gnomAD 0.05%). This variant has not been reported in the literature in individuals affected with LRPPRC-related conditions. ClinVar contains an entry for this variant (Variation ID: 1710706). Advanced modeling of protein sequence and biophysical properties (such as structural, functional, and spatial information, amino acid conservation, physicochemical variation, residue mobility, and thermodynamic stability) performed at Invitae indicates that this missense variant is expected to disrupt LRPPRC protein function with a positive predictive value of 80%. Algorithms developed to predict the effect of sequence changes on RNA splicing suggest that this variant may create or strengthen a splice site. In summary, the available evidence is currently insufficient to determine the role of this variant in disease. Therefore, it has been classified as a Variant of Uncertain Significance.